The following is an entry in ClinVar:

NM_001267550.2(TTN):c.22427T>A (p.Leu7476Ter)

Gene: TTN (titin; minus strand). Cytogenetic location: 2q31.2.
Variant type: single nucleotide variant.
Coding change: c.22427T>A on transcript NM_001267550.2 (MANE Select); coding-DNA position 22427, T replaced by A.
Protein change: p.Leu7476Ter; replaces leucine 7476 with a stop codon.
Molecular consequence: nonsense. On other transcripts: intron variant (3).
Genome position (GRCh38, 1-based): chr2:178,722,360, A>T on the plus strand (T>A on the coding strand, the complement: TTN is on the minus strand). VCF-style: chr2-178722360-A-T. GRCh37 (hg19) VCF-style: chr2-179587087-A-T.
Other names: c.21476T>A, p.Leu7159Ter (NM_001256850.1); c.18695T>A, p.Leu6232Ter (NM_133378.4); c.13282+15722T>A (NM_003319.4); c.13858+15722T>A (NM_133437.4); c.13657+15722T>A (NM_133432.3); short protein forms L7476*, L6232*, L7159*.
Identifiers: ClinVar variation 2947791 (VCV002947791.3), dbSNP rs1330405287, ClinGen allele CA349526275.

ClinVar aggregate classification (germline): Likely pathogenic (1 of 4 stars; one submission).

Conditions:
Dilated cardiomyopathy 1G (CMD1G). Identifiers: Orphanet 154, MedGen C1858763, MONDO:0011400, OMIM 604145.
Autosomal recessive limb-girdle muscular dystrophy type 2J (LGMDR10). Also called: Limb-girdle muscular dystrophy, type 2J; MUSCULAR DYSTROPHY, LIMB-GIRDLE, AUTOSOMAL RECESSIVE 10. Identifiers: Orphanet 140922, MedGen C1837342, MONDO:0012127, OMIM 608807.

Allele frequency attached by ClinVar (database versions not stated): TOPMed below 0.00001.
gnomAD v4.1: 1 of 1,613,206 alleles (0.000062%); highest among the groups gnomAD compares: Non-Finnish European, 0.000085%; no homozygotes.

Submission:

Labcorp Genetics (formerly Invitae), Labcorp
Classification: Likely pathogenic for Dilated cardiomyopathy 1G; Autosomal recessive limb-girdle muscular dystrophy type 2J. Last evaluated: 2024-10-18. Review status: criteria provided, single submitter. Criteria: Invitae Variant Classification Sherloc (09022015). Collection method: clinical testing. Allele origin: germline.
Comment: This sequence change creates a premature translational stop signal (p.Leu7476*) in the TTN gene. While this is not anticipated to result in nonsense mediated decay, it is expected to create a truncated TTN protein. This variant is not present in population databases (gnomAD no frequency). This variant has not been reported in the literature in individuals affected with TTN-related conditions. This variant is located in the I band of TTN (PMID: 25589632). Truncating variants in this region have been reported in individuals affected with autosomal recessive centronuclear myopathy (PMID: 23975875, internal data). Truncating variants in this region have also been identified in individuals affected with autosomal dominant dilated cardiomyopathy and/or cardio-related conditions (PMID: 27869827, 32964742, internal data). In summary, the currently available evidence indicates that the variant is pathogenic, but additional data are needed to prove that conclusively. Therefore, this variant has been classified as Likely Pathogenic.

Literature cited by the submitters: PubMed 25589632; PubMed 23975875; PubMed 27869827; PubMed 32964742.